The following is an entry in ClinVar:

ClinVar aggregate classification (germline): Benign (1 of 4 stars; one submission).

Conditions:
Breast-ovarian cancer, familial, susceptibility to, 2 (BROVCA2). Also called: BRCA2 Hereditary Breast and Ovarian Cancer. Identifiers: Orphanet 145, MedGen C2675520, MONDO:0012933, OMIM 612555. Disease mechanism: loss of function.

Submission:

Dipartimento Di Medicina Di Precisione, Università Degli Studi Della Campania Luigi Vanvitelli
Classification: Benign for Breast-ovarian cancer, familial, susceptibility to, 2. Last evaluated: 2025-07-17. Review status: criteria provided, single submitter. Criteria: ACMG Guidelines, 2015. Collection method: clinical testing. Allele origin: germline. Inheritance: Autosomal dominant inheritance. Affected: yes. Observed: 1 heterozygote.
Comment: According to ACMG guidelines and supported by in silico splicing predictions, the ATM variant c.1802+13del has been classified as benign. Splicing prediction tools show no significant impact on canonical splice sites. This classification is also supported by data reported in the publication "Expanding the Genomic Landscape of HBOC and Cancer Risk Among Mutation Carriers". Based on current evidence, the variant is considered benign.

Literature cited by the submitters: DOI 10.3390/ijms26135928.

NM_000051.4(ATM):c.1802+13del

Gene: ATM (ATM serine/threonine kinase; plus strand). Cytogenetic location: 11q22.3.
Variant type: Deletion.
Coding change: c.1802+13del on transcript NM_000051.4 (MANE Select); 13 bases into the intron after coding-DNA position 1802, one base deleted (C; older notation c.1802+13delC).
Molecular consequence: intron variant.
Genome position (GRCh38, 1-based): chr11:108,252,044, C deleted. VCF-style (leftmost placement, unchanged base first): chr11-108252043-TC-T. GRCh37 (hg19) VCF-style: chr11-108122770-TC-T.
Other names: c.1802+13del (NM_001351834.2).
Identifiers: ClinVar variation 4057261 (VCV004057261.1).
Genomic context (GRCh38, chr11:108,252,043, plus strand): 5'-TAGAGGGTGACTTAGAAAATAGCACAGAAGTGCCTCCAATTCTTCACAGGTAATTTAAGT[TC>T]ATTAGCATGCTGCTGTTTTTTTTGTTTGTTTTATCAGGCTCTCTCCACTTATTTGATGCC-3'